The following is an entry in ClinVar:

NM_001267550.2(TTN):c.10977G>A (p.Ala3659=)

Gene: TTN (titin; minus strand). Cytogenetic location: 2q31.2.
Variant type: single nucleotide variant.
Coding change: c.10977G>A on transcript NM_001267550.2 (MANE Select); coding-DNA position 10977, G replaced by A.
Protein change: p.Ala3659=; no amino-acid change (alanine 3659 retained).
Molecular consequence: synonymous variant. On other transcripts: intron variant (5).
Genome position (GRCh38, 1-based): chr2:178,756,499, C>T on the plus strand (G>A on the coding strand, the complement: TTN is on the minus strand). VCF-style: chr2-178756499-C-T. GRCh37 (hg19) VCF-style: chr2-179621226-C-T.
Other names: c.10464G>A, p.Ala3488= (NM_133437.4); c.10165+2485G>A (NM_003319.4); c.10540+1043G>A (NM_133432.3); c.10303+2485G>A (NM_133378.4, NM_001256850.1, NM_133379.5).
Identifiers: ClinVar variation 504548 (VCV000504548.58), dbSNP rs369327691, ClinGen allele CA2004011.

ClinVar aggregate classification (germline): Likely benign. Review status: criteria provided, multiple submitters, no conflicts (2 of 4 stars). 7 submissions from 7 submitters: Likely benign (7). Last evaluated 2026-01-27.

Conditions:
Dilated cardiomyopathy 1G (CMD1G). Identifiers: Orphanet 154, MedGen C1858763, MONDO:0011400, OMIM 604145.
Myopathy, myofibrillar, 9, with early respiratory failure (MFM9). Also called: Myopathy, distal, with early respiratory failure, autosomal dominant; Hereditary myopathy with early respiratory failure; MYOPATHY, PROXIMAL, WITH EARLY RESPIRATORY MUSCLE INVOLVEMENT; EDSTROM MYOPATHY. Identifiers: Orphanet 178464, Orphanet 34521, MedGen C1863599, MONDO:0011362, OMIM 603689.
Hypertrophic cardiomyopathy 9. Also called: Familial hypertrophic cardiomyopathy 9. Identifiers: MedGen C1861065, MONDO:0013412, OMIM 613765.
Autosomal recessive limb-girdle muscular dystrophy type 2J (LGMDR10). Also called: Limb-girdle muscular dystrophy, type 2J; MUSCULAR DYSTROPHY, LIMB-GIRDLE, AUTOSOMAL RECESSIVE 10. Identifiers: Orphanet 140922, MedGen C1837342, MONDO:0012127, OMIM 608807.
Tibial muscular dystrophy (TMD). Also called: Udd Distal Myopathy – Tibial Muscular Dystrophy; Tibial muscular dystrophy, tardive; UDD MYOPATHY. Identifiers: Orphanet 609, MedGen C1838244, MONDO:0010870, OMIM 600334.
Early-onset myopathy with fatal cardiomyopathy (CMYO5). Also called: CONGENITAL MYOPATHY 5 WITH CARDIOMYOPATHY; Salih Myopathy. Identifiers: Orphanet 289377, MedGen C2673677, MONDO:0012714, OMIM 611705. Disease mechanism: loss of function.

Allele frequency attached by ClinVar (database versions not stated): gnomAD exomes 0.00013 and 0.00021; TOPMed 0.00014; gnomAD 0.00020 and 0.00021; ExAC 0.00022; ESP Exome Variant Server 0.00025; 1000 Genomes Project 0.00040; 1000 Genomes Project 30x 0.00062.
gnomAD v4.1: 223 of 1,613,756 alleles (0.014%); highest among the groups gnomAD compares: Admixed American, 0.027%; no homozygotes.

Submissions (7):

Labcorp Genetics (formerly Invitae), Labcorp
Classification: Likely benign for Dilated cardiomyopathy 1G; Autosomal recessive limb-girdle muscular dystrophy type 2J. Last evaluated: 2026-01-27. Review status: criteria provided, single submitter. Criteria: Invitae Variant Classification Sherloc (09022015). Collection method: clinical testing. Allele origin: germline.

CeGaT Center for Human Genetics Tuebingen
Classification: Likely benign. Last evaluated: 2025-11-01. Review status: criteria provided, single submitter. Criteria: CeGaT Center For Human Genetics Tuebingen Variant Classification Criteria Version 2. Collection method: clinical testing. Allele origin: germline. Affected: yes. Observed: 6 variant alleles.
Comment: TTN: BP4, BP7

Molecular Diagnostic Laboratory for Inherited Cardiovascular Disease, Montreal Heart Institute
Classification: Likely benign. Last evaluated: 2025-04-09. Review status: criteria provided, single submitter. Criteria: ACMG Guidelines, 2015. Collection method: clinical testing. Allele origin: germline. Affected: no.

Blueprint Genetics
Classification: Likely benign. Last evaluated: 2024-11-01. Review status: criteria provided, single submitter. Criteria: ACMG Guidelines, 2015. Collection method: clinical testing. Allele origin: germline.

Fulgent Genetics
Classification: Likely benign for Tibial muscular dystrophy; Myopathy, myofibrillar, 9, with early respiratory failure; Dilated cardiomyopathy 1G; Autosomal recessive limb-girdle muscular dystrophy type 2J; Early-onset myopathy with fatal cardiomyopathy; Hypertrophic cardiomyopathy 9. Last evaluated: 2021-08-13. Review status: criteria provided, single submitter. Criteria: ACMG Guidelines, 2015. Collection method: clinical testing. Allele origin: unknown.

Laboratory for Molecular Medicine, Mass General Brigham Personalized Medicine
Classification: Likely benign. Last evaluated: 2012-03-19. Review status: criteria provided, single submitter. Criteria: LMM Criteria. Collection method: clinical testing. Allele origin: germline. Observed: 2 variant alleles.
Comment: p.Ala3488Ala in exon 44B of TTN: This variant is not expected to have clinical s ignificance because it does not alter an amino acid residue and is not located w ithin the splice consensus sequence. It has been identified in 0.04% (10/25726) of Finnish chromosomes by the Genome Aggregation Database (gnomAD .; dbSNP rs369327691). ACMG/AMP Criteria applied: BS1, BP4, BP 7(Richards 2015).

Breakthrough Genomics
Classification: Likely benign. Review status: criteria provided, single submitter. Criteria: ACMG Guidelines, 2015. Collection method: not provided. Allele origin: germline. Inheritance: Autosomal recessive inheritance. Affected: yes.